The following is an entry in ClinVar:

NM_006031.6(PCNT):c.781C>G (p.Gln261Glu)

Gene: PCNT (pericentrin; plus strand). Cytogenetic location: 21q22.3.
Variant type: single nucleotide variant.
Coding change: c.781C>G on transcript NM_006031.6 (MANE Select); coding-DNA position 781, C replaced by G.
Protein change: p.Gln261Glu; replaces glutamine 261 with glutamic acid.
Molecular consequence: missense variant.
Genome position (GRCh38, 1-based): chr21:46,346,803, C>G. VCF-style: chr21-46346803-C-G. GRCh37 (hg19) VCF-style: chr21-47766717-C-G.
Other names: c.427C>G, p.Gln143Glu (NM_001315529.2); short protein forms Q143E, Q261E.
Identifiers: ClinVar variation 3356827 (VCV003356827.2).

ClinVar aggregate classification (germline): Uncertain significance (1 of 4 stars; one submission).

Conditions:
PCNT-related disorder. Also called: PCNT-related condition.

gnomAD v4.1: 1 of 1,601,600 alleles (0.000062%); highest among the groups gnomAD compares: African/African-American, 0.0013%; no homozygotes.

Submission:

PreventionGenetics, part of Exact Sciences
Classification: Uncertain significance for PCNT-related condition. Last evaluated: 2026-05-12. Review status: criteria provided, single submitter. Criteria: ACMG Guidelines, 2015. Collection method: clinical testing. Allele origin: germline.
Comment: The PCNT c.781C>G variant is predicted to result in the amino acid substitution p.Gln261Glu. To our knowledge, this variant has not been reported in the literature. This variant is reported in 0.0073% of alleles in individuals of African descent in gnomAD. At this time, the clinical significance of this variant is uncertain due to the absence of conclusive functional and genetic evidence.